The following is an entry in ClinVar:

NM_000440.3(PDE6A):c.1724T>C (p.Leu575Pro)

Gene: PDE6A (phosphodiesterase 6A; minus strand). Cytogenetic location: 5q32.
Variant type: single nucleotide variant.
Coding change: c.1724T>C on transcript NM_000440.3 (MANE Select); coding-DNA position 1724, T replaced by C.
Protein change: p.Leu575Pro; replaces leucine 575 with proline.
Molecular consequence: missense variant.
Genome position (GRCh38, 1-based): chr5:149,895,187, A>G on the plus strand (T>C on the coding strand, the complement: PDE6A is on the minus strand). VCF-style: chr5-149895187-A-G. GRCh37 (hg19) VCF-style: chr5-149274750-A-G.
Other names: short protein forms L575P.
Identifiers: ClinVar variation 847048 (VCV000847048.10), dbSNP rs759537984, ClinGen allele CA3504576.

ClinVar aggregate classification (germline): Pathogenic/Likely pathogenic. Review status: criteria provided, multiple submitters, no conflicts (2 of 4 stars). 2 submissions from 2 submitters: Pathogenic (1); Likely pathogenic (1). Last evaluated 2024-11-04.

Conditions:
Retinitis pigmentosa 43 (RP43). Identifiers: Orphanet 791, MedGen C3151139, MONDO:0013437, OMIM 613810.

Allele frequency attached by ClinVar (database versions not stated): gnomAD exomes below 0.00001; ExAC 0.00001; TOPMed 0.00001.
gnomAD v4.1: 1 of 1,608,804 alleles (0.000062%); highest among the groups gnomAD compares: African/African-American, 0.0013%; no homozygotes.

Submissions (2):

Women's Health and Genetics/Laboratory Corporation of America, LabCorp
Classification: Likely pathogenic for Retinitis pigmentosa 43. Last evaluated: 2024-11-04. Review status: criteria provided, single submitter. Criteria: LabCorp Variant Classification Summary - May 2015. Collection method: clinical testing. Allele origin: germline.
Comment: Variant summary: PDE6A c.1724T>C (p.Leu575Pro) results in a non-conservative amino acid change located in the 35-cyclic nucleotide phosphodiesterase domain profile (IPR002073) of the encoded protein sequence. Five of five in-silico tools predict a damaging effect of the variant on protein function. The variant was absent in 251448 control chromosomes. c.1724T>C has been reported in the literature in compound heterozygous individuals affected with Retinitis pigmentosa or rod-cone dystrophy (e.g. Khateb_2019, Maltese_2022, Labcorp (formerly Invitae)). These data indicate that the variant is likely to be associated with disease. To our knowledge, no experimental evidence demonstrating an impact on protein function has been reported. The following publications have been ascertained in the context of this evaluation (PMID: 30998820, 35836572). ClinVar contains an entry for this variant (Variation ID: 847048). Based on the evidence outlined above, the variant was classified as likely pathogenic.

Labcorp Genetics (formerly Invitae), Labcorp
Classification: Pathogenic. Last evaluated: 2022-07-06. Review status: criteria provided, single submitter. Criteria: Invitae Variant Classification Sherloc (09022015). Collection method: clinical testing. Allele origin: germline.
Comment: This sequence change replaces leucine, which is neutral and non-polar, with proline, which is neutral and non-polar, at codon 575 of the PDE6A protein (p.Leu575Pro). This variant is not present in population databases (gnomAD no frequency). This missense change has been observed in individual(s) with inherited retinal dystrophy (PMID: 30998820; Invitae). In at least one individual the data is consistent with being in trans (on the opposite chromosome) from a pathogenic variant. It has also been observed to segregate with disease in related individuals. ClinVar contains an entry for this variant (Variation ID: 847048). Algorithms developed to predict the effect of missense changes on protein structure and function (SIFT, PolyPhen-2, Align-GVGD) all suggest that this variant is likely to be disruptive. For these reasons, this variant has been classified as Pathogenic.

Literature cited by the submitters: PubMed 35836572 (cited by Women's Health and Genetics/Laboratory Corporation of America, LabCorp); PubMed 30998820 (cited by Women's Health and Genetics/Laboratory Corporation of America, LabCorp and Labcorp Genetics (formerly Invitae), Labcorp).